The following is an entry in ClinVar:

ClinVar aggregate classification (germline): Benign (1 of 4 stars; one submission).

Conditions:
Cataract 12 multiple types. Identifiers: Orphanet 91492, MedGen C3808115, MONDO:0012701, OMIM 611597.

Allele frequency attached by ClinVar (database versions not stated): gnomAD 0.00004 and 0.00007; TOPMed 0.00004; 1000 Genomes Project 30x 0.00016; gnomAD exomes 0.00016; ExAC 0.00018; 1000 Genomes Project 0.00020.
gnomAD v4.1: 210 of 1,613,966 alleles (0.013%); highest among the groups gnomAD compares: East Asian, 0.41%; 1 homozygote.

Submission:

Illumina Laboratory Services, Illumina
Classification: Benign for Cataract 12 multiple types. Last evaluated: 2018-01-13. Review status: criteria provided, single submitter. Criteria: ICSL Variant Classification Criteria 13 December 2019. Collection method: clinical testing. Allele origin: germline.
Comment: This variant was observed in the ICSL laboratory as part of a predisposition screen in an ostensibly healthy population. It had not been previously curated by ICSL or reported in the Human Gene Mutation Database (HGMD: prior to June 1st, 2018), and was therefore a candidate for classification through an automated scoring system. Utilizing variant allele frequency, disease prevalence and penetrance estimates, and inheritance mode, an automated score was calculated to assess if this variant is too frequent to cause the disease. Based on the score and internal cut-off values, a variant classified as benign is not then subjected to further curation. The score for this variant resulted in a classification of benign for this disease.

NM_003571.4(BFSP2):c.410G>A (p.Arg137Gln)

Gene: BFSP2 (beaded filament structural protein 2; plus strand). Cytogenetic location: 3q22.1.
Variant type: single nucleotide variant.
Coding change: c.410G>A on transcript NM_003571.4 (MANE Select); coding-DNA position 410, G replaced by A.
Protein change: p.Arg137Gln; replaces arginine 137 with glutamine.
Molecular consequence: missense variant.
Genome position (GRCh38, 1-based): chr3:133,400,493, G>A. VCF-style: chr3-133400493-G-A. GRCh37 (hg19) VCF-style: chr3-133119337-G-A.
Other names: short protein forms R137Q.
Identifiers: ClinVar variation 343406 (VCV000343406.5), dbSNP rs80176276, ClinGen allele CA2623243.